The following is an entry in ClinVar:

NM_001367561.1(DOCK7):c.3695C>G (p.Pro1232Arg)

Gene: DOCK7 (dedicator of cytokinesis 7; minus strand). Cytogenetic location: 1p31.3.
Variant type: single nucleotide variant.
Coding change: c.3695C>G on transcript NM_001367561.1 (MANE Select); coding-DNA position 3695, C replaced by G.
Protein change: p.Pro1232Arg; replaces proline 1232 with arginine.
Molecular consequence: missense variant.
Genome position (GRCh38, 1-based): chr1:62,529,363, G>C on the plus strand (C>G on the coding strand, the complement: DOCK7 is on the minus strand). VCF-style: chr1-62529363-G-C. GRCh37 (hg19) VCF-style: chr1-62995034-G-C.
Other names: c.3695C>G, p.Pro1232Arg (NM_001271999.2, NM_001330614.2); c.3602C>G, p.Pro1201Arg (NM_001272000.2, NM_001272001.2, NM_033407.4); c.3602C>G (NM_033407.2); short protein forms P1201R, P1232R.
Identifiers: ClinVar variation 1024626 (VCV001024626.8), dbSNP rs760813445, ClinGen allele CA885914.

ClinVar aggregate classification (germline): Uncertain significance. Review status: criteria provided, multiple submitters, no conflicts (2 of 4 stars). 3 submissions from 3 submitters: Uncertain significance (3). Last evaluated 2024-08-30.

Conditions:
Inborn genetic diseases. Identifiers: MedGen C0950123, MeSH D030342.
Developmental and epileptic encephalopathy, 23 (DEE23). Also called: Epileptic encephalopathy, early infantile, 23. Identifiers: Orphanet 411986, MedGen C4014492, MONDO:0014371, OMIM 615859.

Allele frequency attached by ClinVar (database versions not stated): gnomAD below 0.00001 and 0.00003; ExAC 0.00008; gnomAD exomes 0.00010.
gnomAD v4.1: 73 of 1,613,644 alleles (0.0045%); highest among the groups gnomAD compares: South Asian, 0.076%; no homozygotes.

Submissions (3):

Labcorp Genetics (formerly Invitae), Labcorp
Classification: Uncertain significance for Developmental and epileptic encephalopathy, 23. Last evaluated: 2024-08-30. Review status: criteria provided, single submitter. Criteria: Invitae Variant Classification Sherloc (09022015). Collection method: clinical testing. Allele origin: germline.
Comment: This sequence change replaces proline, which is neutral and non-polar, with arginine, which is basic and polar, at codon 1232 of the DOCK7 protein (p.Pro1232Arg). This variant is present in population databases (rs760813445, gnomAD 0.08%). This variant has not been reported in the literature in individuals affected with DOCK7-related conditions. ClinVar contains an entry for this variant (Variation ID: 1024626). Invitae Evidence Modeling of protein sequence and biophysical properties (such as structural, functional, and spatial information, amino acid conservation, physicochemical variation, residue mobility, and thermodynamic stability) indicates that this missense variant is not expected to disrupt DOCK7 protein function with a negative predictive value of 80%. In summary, the available evidence is currently insufficient to determine the role of this variant in disease. Therefore, it has been classified as a Variant of Uncertain Significance.

Genome-Nilou Lab
Classification: Uncertain significance for Developmental and epileptic encephalopathy, 23. Last evaluated: 2023-04-11. Review status: criteria provided, single submitter. Criteria: ACMG Guidelines, 2015. Collection method: clinical testing. Allele origin: germline. Affected: no.

Ambry Genetics
Classification: Uncertain significance for Inborn genetic diseases. Last evaluated: 2021-10-12. Review status: criteria provided, single submitter. Criteria: Ambry Variant Classification Scheme 2023. Collection method: clinical testing. Allele origin: germline.